The following is an entry in ClinVar:

ClinVar aggregate classification (germline): Uncertain significance (1 of 4 stars; one submission).

Conditions:
Hereditary cancer-predisposing syndrome. Also called: Neoplastic Syndromes, Hereditary; Tumor predisposition; Hereditary Cancer Syndrome; Hereditary neoplastic syndrome. Identifiers: Orphanet 140162, MedGen C0027672, MeSH D009386, MONDO:0015356.

Submission:

Ambry Genetics
Classification: Uncertain significance for Hereditary cancer-predisposing syndrome. Last evaluated: 2021-03-18. Review status: criteria provided, single submitter. Criteria: Ambry Variant Classification Scheme 2023. Collection method: clinical testing. Allele origin: germline.
Comment: The p.D1381E variant (also known as c.4143C>A), located in coding exon 10 of the BRCA1 gene, results from a C to A substitution at nucleotide position 4143. The aspartic acid at codon 1381 is replaced by glutamic acid, an amino acid with highly similar properties. This amino acid position is not well conserved in available vertebrate species. In addition, the in silico prediction for this alteration is inconclusive. Since supporting evidence is limited at this time, the clinical significance of this alteration remains unclear.

NM_007294.4(BRCA1):c.4143C>A (p.Asp1381Glu)

Gene: BRCA1 (BRCA1 DNA repair associated; minus strand). Cytogenetic location: 17q21.31.
Variant type: single nucleotide variant.
Coding change: c.4143C>A on transcript NM_007294.4 (MANE Select); coding-DNA position 4143, C replaced by A.
Protein change: p.Asp1381Glu; replaces aspartic acid 1381 with glutamic acid.
Molecular consequence: missense variant. On other transcripts: non-coding transcript variant (1).
Genome position (GRCh38, 1-based): chr17:43,090,986, G>T on the plus strand (C>A on the coding strand, the complement: BRCA1 is on the minus strand). VCF-style: chr17-43090986-G-T. GRCh37 (hg19) VCF-style: chr17-41243003-G-T.
Other names: c.3930C>A, p.Asp1310Glu (NM_001407571.1, NM_001407853.1, NM_001407894.1 and 9 more transcripts); c.4143C>A, p.Asp1381Glu (NM_001407581.1, NM_001407582.1, NM_001407583.1 and 30 more transcripts); c.4140C>A, p.Asp1380Glu (NM_001407587.1, NM_001407590.1, NM_001407591.1 and 22 more transcripts); c.4065C>A, p.Asp1355Glu (NM_001407658.1, NM_001407663.1, NM_001407653.1 and 4 more transcripts); c.4062C>A, p.Asp1354Glu (NM_001407659.1, NM_001407660.1, NM_001407661.1 and 1 more transcripts); c.4020C>A, p.Asp1340Glu (NM_001407664.1, NM_001407665.1, NM_001407666.1 and 19 more transcripts); c.4017C>A, p.Asp1339Glu (NM_001407685.1, NM_001407940.1, NM_001407941.1 and 11 more transcripts); c.4002C>A, p.Asp1334Glu (NM_001407697.1, NM_001407698.1, NM_001407724.1 and 29 more transcripts); and 41 more; short protein forms D1270E, D1314E, D1380E, D151E, D166E, D167E, D190E, D208E.
Identifiers: ClinVar variation 1738179 (VCV001738179.2), dbSNP rs1567788391, ClinGen allele CA10593436.